The following is an entry in ClinVar:

NM_001127222.2(CACNA1A):c.3071G>A (p.Arg1024Gln)

Gene: CACNA1A (calcium voltage-gated channel subunit alpha1 A; minus strand). Cytogenetic location: 19p13.13.
Variant type: single nucleotide variant.
Coding change: c.3071G>A on transcript NM_001127222.2 (MANE Select); coding-DNA position 3071, G replaced by A.
Protein change: p.Arg1024Gln; replaces arginine 1024 with glutamine.
Molecular consequence: missense variant.
Genome position (GRCh38, 1-based): chr19:13,298,562, C>T on the plus strand (G>A on the coding strand, the complement: CACNA1A is on the minus strand). VCF-style: chr19-13298562-C-T. GRCh37 (hg19) VCF-style: chr19-13409376-C-T.
Other names: c.3083G>A, p.Arg1028Gln (NM_000068.4, NM_023035.3); c.3074G>A, p.Arg1025Gln (NM_001127221.2, NM_001174080.2); short protein forms R1025Q, R1024Q, R1028Q.
Identifiers: ClinVar variation 804602 (VCV000804602.8), dbSNP rs1458500776, ClinGen allele CA404342130.

ClinVar aggregate classification (germline): Uncertain significance. Review status: criteria provided, multiple submitters, no conflicts (2 of 4 stars). 2 submissions from 2 submitters: Uncertain significance (2). Last evaluated 2022-01-11.

Conditions:
Episodic ataxia type 2 (EA2). Also called: EPISODIC ATAXIA, NYSTAGMUS-ASSOCIATED; ATAXIA, EPISODIC, WITH NYSTAGMUS; ATAXIA, FAMILIAL PAROXYSMAL; CEREBELLAR ATAXIA, PAROXYSMAL, ACETAZOLAMIDE-RESPONSIVE; CEREBELLOPATHY, HEREDITARY PAROXYSMAL; ACETAZOLAMIDE-RESPONSIVE HEREDITARY PAROXYSMAL CEREBELLAR ATAXIA. Identifiers: Orphanet 97, MedGen C1720416, MONDO:0007163, OMIM 108500.
Developmental and epileptic encephalopathy, 42 (DEE42A). Also called: Epileptic encephalopathy, early infantile, 42; DEVELOPMENTAL AND EPILEPTIC ENCEPHALOPATHY 42A; EPILEPTIC ENCEPHALOPATHY, EARLY INFANTILE, 42A. Identifiers: MedGen C4310716, MONDO:0014917, OMIM 617106.

Allele frequency attached by ClinVar (database versions not stated): TOPMed below 0.00001; gnomAD exomes 0.00001.
gnomAD v4.1: 2 of 1,543,392 alleles (0.00013%); highest among the groups gnomAD compares: Admixed American, 0.002%; no homozygotes.

Submissions (2):

Labcorp Genetics (formerly Invitae), Labcorp
Classification: Uncertain significance for Developmental and epileptic encephalopathy, 42; Episodic ataxia type 2. Last evaluated: 2022-01-11. Review status: criteria provided, single submitter. Criteria: Invitae Variant Classification Sherloc (09022015). Collection method: clinical testing. Allele origin: germline.
Comment: In summary, the available evidence is currently insufficient to determine the role of this variant in disease. Therefore, it has been classified as a Variant of Uncertain Significance. Advanced modeling of protein sequence and biophysical properties (such as structural, functional, and spatial information, amino acid conservation, physicochemical variation, residue mobility, and thermodynamic stability) performed at Invitae indicates that this missense variant is not expected to disrupt CACNA1A protein function. ClinVar contains an entry for this variant (Variation ID: 804602). This variant has not been reported in the literature in individuals affected with CACNA1A-related conditions. The frequency data for this variant in the population databases is considered unreliable, as metrics indicate poor data quality at this position in the gnomAD database. This sequence change replaces arginine, which is basic and polar, with glutamine, which is neutral and polar, at codon 1025 of the CACNA1A protein (p.Arg1025Gln).

Athena Diagnostics
Classification: Uncertain significance. Last evaluated: 2020-09-11. Review status: criteria provided, single submitter. Criteria: Athena Diagnostics criteria. Collection method: clinical testing. Allele origin: unknown.